The following is an entry in ClinVar:

ClinVar aggregate classification (germline): Conflicting classifications of pathogenicity. Review status: criteria provided, conflicting classifications (1 of 4 stars). 3 submissions from 3 submitters: Uncertain significance (2); Likely benign (1). Last evaluated 2025-08-21.

Conditions:
Heterotopia, periventricular, X-linked dominant (PVNH1). Also called: PERIVENTRICULAR NODULAR HETEROTOPIA 1; X-linked periventricular heterotopia; PERIVENTRICULAR NODULAR HETEROTOPIA 4; HETEROTOPIA, PERIVENTRICULAR, 1. Identifiers: Orphanet 2149, Orphanet 82004, MedGen C1848213, MONDO:0010233, OMIM 300049.
Melnick-Needles syndrome (MNS). Also called: MELNICK-NEEDLES OSTEODYSPLASTY; OSTEODYSPLASTY OF MELNICK AND NEEDLES; Melnick-Needles Syndrome (FLNA-MNS). Identifiers: Orphanet 2484, MedGen C0025237, MONDO:0010650, OMIM 309350.
Frontometaphyseal dysplasia (FMD1). Identifiers: Orphanet 1826, MedGen C0265293, MONDO:0015942.
Oto-palato-digital syndrome, type II (OPD2). Also called: OPD II SYNDROME; FACIOPALATOOSSEOUS SYNDROME; Otopalatodigital Syndrome Type 2 (FLNA-OPD2); Otopalatodigital Syndrome, Type II. Identifiers: Orphanet 669, Orphanet 90652, MedGen C1844696, MONDO:0010571, OMIM 304120.
Familial thoracic aortic aneurysm and aortic dissection (TAAD). Also called: Thoracic aortic aneurysms and dissections. Identifiers: Orphanet 91387, MedGen C4707243, MONDO:0019625.

Allele frequency attached by ClinVar (database versions not stated): gnomAD exomes 0.00002; TOPMed 0.00002; gnomAD 0.00003.

Submissions (3):

Labcorp Genetics (formerly Invitae), Labcorp
Classification: Likely benign for Oto-palato-digital syndrome, type II; Heterotopia, periventricular, X-linked dominant; Frontometaphyseal dysplasia; Melnick-Needles syndrome. Last evaluated: 2025-08-21. Review status: criteria provided, single submitter. Criteria: Invitae Variant Classification Sherloc (09022015). Collection method: clinical testing. Allele origin: germline.

GeneDx
Classification: Uncertain significance. Last evaluated: 2023-06-08. Review status: criteria provided, single submitter. Criteria: GeneDx Variant Classification Process June 2021. Collection method: clinical testing. Allele origin: germline. Affected: yes.
Comment: In silico analysis supports that this missense variant has a deleterious effect on protein structure/function; Has not been previously published as pathogenic or benign to our knowledge

Ambry Genetics
Classification: Uncertain significance for Familial thoracic aortic aneurysm and aortic dissection. Last evaluated: 2020-11-18. Review status: criteria provided, single submitter. Criteria: Ambry Variant Classification Scheme 2023. Collection method: clinical testing. Allele origin: germline.
Comment: The p.G686D variant (also known as c.2057G>A), located in coding exon 13 of the FLNA gene, results from a G to A substitution at nucleotide position 2057. The glycine at codon 686 is replaced by aspartic acid, an amino acid with similar properties. This allele was reported in one heterozygous individual in population-based cohorts in the Genome Aggregation Database (gnomAD). This amino acid position is highly conserved in available vertebrate species. In addition, this alteration is predicted to be deleterious by in silico analysis. Since supporting evidence is limited at this time, the clinical significance of this alteration remains unclear.

NM_001110556.2(FLNA):c.2057G>A (p.Gly686Asp)

Gene: FLNA (filamin A; minus strand). Cytogenetic location: Xq28.
Variant type: single nucleotide variant.
Coding change: c.2057G>A on transcript NM_001110556.2 (MANE Select); coding-DNA position 2057, G replaced by A.
Protein change: p.Gly686Asp; replaces glycine 686 with aspartic acid.
Molecular consequence: missense variant.
Genome position (GRCh38, 1-based): chrX:154,364,338, C>T on the plus strand (G>A on the coding strand, the complement: FLNA is on the minus strand). VCF-style: chrX-154364338-C-T. GRCh37 (hg19) VCF-style: chrX-153592706-C-T.
Other names: c.2057G>A, p.Gly686Asp (NM_001456.4); short protein forms G686D.
Identifiers: ClinVar variation 1043749 (VCV001043749.13), dbSNP rs1360829798, ClinGen allele CA415238867.